The following is an entry in ClinVar:

ClinVar aggregate classification (germline): Uncertain significance (1 of 4 stars; one submission).

Conditions:
Inborn genetic diseases. Identifiers: MedGen C0950123, MeSH D030342.

Allele frequency attached by ClinVar (database versions not stated): gnomAD exomes below 0.00001; ESP Exome Variant Server 0.00008.
gnomAD v4.1: 1 of 1,613,700 alleles (0.000062%); highest among the groups gnomAD compares: Non-Finnish European, 0.000085%; no homozygotes.

Submission:

Ambry Genetics
Classification: Uncertain significance for Inborn genetic diseases. Last evaluated: 2024-07-13. Review status: criteria provided, single submitter. Criteria: Ambry Variant Classification Scheme 2023. Collection method: clinical testing. Allele origin: germline.
Comment: The p.S680T variant (also known as c.2038T>A), located in coding exon 17 of the LRRK2 gene, results from a T to A substitution at nucleotide position 2038. The serine at codon 680 is replaced by threonine, an amino acid with similar properties. This amino acid position is conserved. In addition, this alteration is predicted to be tolerated by in silico analysis. Since supporting evidence is limited at this time, the clinical significance of this alteration remains unclear.

NM_198578.4(LRRK2):c.2038T>A (p.Ser680Thr)

Gene: LRRK2 (leucine rich repeat kinase 2; plus strand). Cytogenetic location: 12q12.
Variant type: single nucleotide variant.
Coding change: c.2038T>A on transcript NM_198578.4 (MANE Select); coding-DNA position 2038, T replaced by A.
Protein change: p.Ser680Thr; replaces serine 680 with threonine.
Molecular consequence: missense variant.
Genome position (GRCh38, 1-based): chr12:40,277,984, T>A. VCF-style: chr12-40277984-T-A. GRCh37 (hg19) VCF-style: chr12-40671786-T-A.
Other names: short protein forms S680T.
Identifiers: ClinVar variation 1784852 (VCV001784852.3), dbSNP rs148395944, ClinGen allele CA235331384.